The following is an entry in ClinVar:

ClinVar aggregate classification (germline): Likely benign (1 of 4 stars; one submission).

Conditions:
HOXA11-related disorder. Also called: HOXA11-related condition.

gnomAD v4.1: 50 of 1,611,794 alleles (0.0031%); highest among the groups gnomAD compares: African/African-American, 0.063%; no homozygotes.

Submission:

PreventionGenetics, part of Exact Sciences
Classification: Likely benign for HOXA11-related condition. Last evaluated: 2026-08-30. Review status: criteria provided, single submitter. Criteria: ACMG Guidelines, 2015. Collection method: clinical testing. Allele origin: germline.
Comment: This variant is classified as likely benign based on ACMG/AMP sequence variant interpretation guidelines (Richards et al. 2015 PMID: 25741868, with internal and published modifications).

NM_005523.6(HOXA11):c.483G>C (p.Gly161=)

Genes: HOXA11 (homeobox A11; minus strand), LOC107126281 (NUP98-HOXA11 recombination region; plus strand). Cytogenetic location: 7p15.2.
Variant type: single nucleotide variant.
Coding change: c.483G>C on transcript NM_005523.6 (MANE Select); coding-DNA position 483, G replaced by C.
Protein change: p.Gly161=; no amino-acid change (glycine 161 retained).
Molecular consequence: synonymous variant.
Genome position (GRCh38, 1-based): chr7:27,184,662, C>G on the plus strand (G>C on the coding strand, the complement: HOXA11 is on the minus strand). VCF-style: chr7-27184662-C-G. GRCh37 (hg19) VCF-style: chr7-27224281-C-G.
Identifiers: ClinVar variation 4979232 (VCV004979232.1).